The following is an entry in ClinVar:

NM_001172509.2(SATB2):c.772A>G (p.Met258Val)

Gene: SATB2 (SATB homeobox 2; minus strand). Cytogenetic location: 2q33.1.
Variant type: single nucleotide variant.
Coding change: c.772A>G on transcript NM_001172509.2 (MANE Select); coding-DNA position 772, A replaced by G.
Protein change: p.Met258Val; replaces methionine 258 with valine.
Molecular consequence: missense variant.
Genome position (GRCh38, 1-based): chr2:199,349,102, T>C on the plus strand (A>G on the coding strand, the complement: SATB2 is on the minus strand). VCF-style: chr2-199349102-T-C. GRCh37 (hg19) VCF-style: chr2-200213825-T-C.
Other names: c.772A>G, p.Met258Val (NM_001172517.1, NM_015265.4); short protein forms M258V.
Identifiers: ClinVar variation 938971 (VCV000938971.10), dbSNP rs200074373, ClinGen allele CA2046006.

ClinVar aggregate classification (germline): Uncertain significance (1 of 4 stars; one submission).

Conditions:
Chromosome 2q32-q33 deletion syndrome (GLASS). Also called: Glass syndrome; 2q33.1 deletion syndrome. Identifiers: Orphanet 251019, MedGen C2676739, MONDO:0012864, OMIM 612313.

Allele frequency attached by ClinVar (database versions not stated): gnomAD exomes below 0.00001; gnomAD 0.00001 and 0.00002; ExAC 0.00002; TOPMed 0.00002; 1000 Genomes Project 0.00020; 1000 Genomes Project 30x 0.00031.
gnomAD v4.1: 5 of 1,614,106 alleles (0.00031%); highest among the groups gnomAD compares: African/African-American, 0.004%; no homozygotes.

Submission:

Labcorp Genetics (formerly Invitae), Labcorp
Classification: Uncertain significance for Chromosome 2q32-q33 deletion syndrome. Last evaluated: 2022-10-05. Review status: criteria provided, single submitter. Criteria: Invitae Variant Classification Sherloc (09022015). Collection method: clinical testing. Allele origin: germline.
Comment: ClinVar contains an entry for this variant (Variation ID: 938971). This sequence change replaces methionine, which is neutral and non-polar, with valine, which is neutral and non-polar, at codon 258 of the SATB2 protein (p.Met258Val). This variant is present in population databases (rs200074373, gnomAD 0.01%). This variant has not been reported in the literature in individuals affected with SATB2-related conditions. Advanced modeling of experimental studies (such as gene expression, population dynamics, functional pathways, and cell-cycle effects in cell culture) performed at Invitae indicates that this missense variant is not expected to disrupt SATB2 protein function. In summary, the available evidence is currently insufficient to determine the role of this variant in disease. Therefore, it has been classified as a Variant of Uncertain Significance.